The following is an entry in ClinVar:

ClinVar aggregate classification (germline): Uncertain significance. Review status: criteria provided, multiple submitters, no conflicts (2 of 4 stars). 2 submissions from 2 submitters: Uncertain significance (2). Last evaluated 2023-12-19.

Conditions:
Intellectual disability, autosomal recessive 53 (NEDHSCA). Also called: NEURODEVELOPMENTAL DISORDER WITH OR WITHOUT HYPOTONIA, SEIZURES, AND CEREBELLAR ATROPHY; GLYCOSYLPHOSPHATIDYLINOSITOL BIOSYNTHESIS DEFECT 13; Mental retardation, autosomal recessive 53. Identifiers: Orphanet 488635, MedGen C4310794, MONDO:0014832, OMIM 616917.

Allele frequency attached by ClinVar (database versions not stated): gnomAD exomes 0.00002 and 0.00004; gnomAD 0.00003 and 0.00004; TOPMed 0.00007; ESP Exome Variant Server 0.00015.
gnomAD v4.1: 67 of 1,614,086 alleles (0.0042%); highest among the groups gnomAD compares: Non-Finnish European, 0.0054%; no homozygotes.

Submissions (2):

GeneDx
Classification: Uncertain significance. Last evaluated: 2023-12-19. Review status: criteria provided, single submitter. Criteria: GeneDx Variant Classification Process June 2021. Collection method: clinical testing. Allele origin: germline. Affected: yes.
Comment: Not observed at significant frequency in large population cohorts (gnomAD); In silico analysis supports that this missense variant has a deleterious effect on protein structure/function; Has not been previously published as pathogenic or benign to our knowledge

Labcorp Genetics (formerly Invitae), Labcorp
Classification: Uncertain significance for Intellectual disability, autosomal recessive 53. Last evaluated: 2022-06-27. Review status: criteria provided, single submitter. Criteria: Invitae Variant Classification Sherloc (09022015). Collection method: clinical testing. Allele origin: germline.
Comment: This sequence change replaces serine, which is neutral and polar, with phenylalanine, which is neutral and non-polar, at codon 473 of the PIGG protein (p.Ser473Phe). This variant is present in population databases (rs151167716, gnomAD 0.006%). This variant has not been reported in the literature in individuals affected with PIGG-related conditions. ClinVar contains an entry for this variant (Variation ID: 542882). Algorithms developed to predict the effect of missense changes on protein structure and function are either unavailable or do not agree on the potential impact of this missense change (SIFT: "Tolerated"; PolyPhen-2: "Probably Damaging"; Align-GVGD: "Class C0"). In summary, the available evidence is currently insufficient to determine the role of this variant in disease. Therefore, it has been classified as a Variant of Uncertain Significance.

NM_001127178.3(PIGG):c.1418C>T (p.Ser473Phe)

Gene: PIGG (phosphatidylinositol glycan anchor biosynthesis class G (EMM blood group); plus strand). Cytogenetic location: 4p16.3.
Variant type: single nucleotide variant.
Coding change: c.1418C>T on transcript NM_001127178.3 (MANE Select); coding-DNA position 1418, C replaced by T.
Protein change: p.Ser473Phe; replaces serine 473 with phenylalanine.
Molecular consequence: missense variant. On other transcripts: 3 prime UTR variant (1), 5 prime UTR variant (2), non-coding transcript variant (10).
Genome position (GRCh38, 1-based): chr4:521,745, C>T. VCF-style: chr4-521745-C-T. GRCh37 (hg19) VCF-style: chr4-515534-C-T.
Other names: c.1151C>T, p.Ser384Phe (NM_001289051.2, NM_001289053.2, NM_001345986.2); c.1019C>T, p.Ser340Phe (NM_001289052.2); c.1006C>T, p.Leu336Phe (NM_001289055.2); c.*33C>T (NM_001289057.2); c.1127C>T, p.Ser376Phe (NM_001345987.2); c.389C>T, p.Ser130Phe (NM_001345988.2); c.1418C>T, p.Ser473Phe (NM_001345989.2); c.-116C>T (NM_001345990.2, NM_001345991.2); and 2 more; short protein forms S473F, L336F, S107F, S465F, S130F, S340F, S376F, S384F.
Identifiers: ClinVar variation 542882 (VCV000542882.7), dbSNP rs151167716, ClinGen allele CA91065023.